The following is an entry in ClinVar:

NM_016169.4(SUFU):c.21C>G (p.Ser7Arg)

Genes: SUFU (SUFU negative regulator of hedgehog signaling; plus strand), LOC130004614 (ATAC-STARR-seq lymphoblastoid silent region 2764; plus strand). Cytogenetic location: 10q24.32.
Variant type: single nucleotide variant.
Coding change: c.21C>G on transcript NM_016169.4 (MANE Select); coding-DNA position 21, C replaced by G.
Protein change: p.Ser7Arg; replaces serine 7 with arginine.
Molecular consequence: missense variant.
Genome position (GRCh38, 1-based): chr10:102,504,173, C>G. VCF-style: chr10-102504173-C-G. GRCh37 (hg19) VCF-style: chr10-104263930-C-G.
Other names: c.21C>G, p.Ser7Arg (NM_001178133.2); short protein forms S7R.
Identifiers: ClinVar variation 2009618 (VCV002009618.5), dbSNP rs2135597167, ClinGen allele CA377886119.

ClinVar aggregate classification (germline): Uncertain significance. Review status: criteria provided, multiple submitters, no conflicts (2 of 4 stars). 2 submissions from 2 submitters: Uncertain significance (2). Last evaluated 2025-01-27.

Conditions:
Gorlin syndrome. Also called: Nevoid Basal Cell Carcinoma Syndrome; Basal cell nevus syndrome. Identifiers: Orphanet 377, MedGen C0004779, MONDO:0007187.
Medulloblastoma (MDB). Also called: Medulloblastoma, somatic; MEDULLOBLASTOMA PREDISPOSITION SYNDROME. Identifiers: Orphanet 616, MedGen C0025149, MeSH D008527, MONDO:0007959, OMIM 155255, HP:0002885.
Hereditary cancer-predisposing syndrome. Also called: Neoplastic Syndromes, Hereditary; Hereditary neoplastic syndrome; Tumor predisposition; Hereditary Cancer Syndrome. Identifiers: Orphanet 140162, MedGen C0027672, MeSH D009386, MONDO:0015356.

Submissions (2):

Ambry Genetics
Classification: Uncertain significance for Hereditary cancer-predisposing syndrome. Last evaluated: 2025-01-27. Review status: criteria provided, single submitter. Criteria: Ambry Variant Classification Scheme 2023. Collection method: clinical testing. Allele origin: germline.
Comment: The p.S7R variant (also known as c.21C>G), located in coding exon 1 of the SUFU gene, results from a C to G substitution at nucleotide position 21. The serine at codon 7 is replaced by arginine, an amino acid with dissimilar properties. This amino acid position is conserved. In addition, this alteration is predicted to be tolerated by in silico analysis. Based on the available evidence, the clinical significance of this variant remains unclear.

Labcorp Genetics (formerly Invitae), Labcorp
Classification: Uncertain significance for Gorlin syndrome; Medulloblastoma. Last evaluated: 2022-06-23. Review status: criteria provided, single submitter. Criteria: Invitae Variant Classification Sherloc (09022015). Collection method: clinical testing. Allele origin: germline.
Comment: This sequence change replaces serine, which is neutral and polar, with arginine, which is basic and polar, at codon 7 of the SUFU protein (p.Ser7Arg). This variant is not present in population databases (gnomAD no frequency). This variant has not been reported in the literature in individuals affected with SUFU-related conditions. Algorithms developed to predict the effect of missense changes on protein structure and function are either unavailable or do not agree on the potential impact of this missense change (SIFT: "Tolerated"; PolyPhen-2: "Possibly Damaging"; Align-GVGD: "Class C0"). In summary, the available evidence is currently insufficient to determine the role of this variant in disease. Therefore, it has been classified as a Variant of Uncertain Significance.